The following is an entry in ClinVar:

NM_130810.4(DNAAF4):c.123G>A (p.Lys41=)

Genes: DNAAF4 (dynein axonemal assembly factor 4; minus strand), DNAAF4-CCPG1 (DNAAF4-CCPG1 readthrough (NMD candidate); minus strand). Cytogenetic location: 15q21.3.
Variant type: single nucleotide variant.
Coding change: c.123G>A on transcript NM_130810.4 (MANE Select); coding-DNA position 123, G replaced by A.
Protein change: p.Lys41=; no amino-acid change (lysine 41 retained).
Molecular consequence: synonymous variant. On other transcripts: non-coding transcript variant (1).
Genome position (GRCh38, 1-based): chr15:55,498,207, C>T on the plus strand (G>A on the coding strand, the complement: DNAAF4 is on the minus strand). VCF-style: chr15-55498207-C-T. GRCh37 (hg19) VCF-style: chr15-55790405-C-T.
Other names: c.123G>A, p.Lys41= (NM_001033559.3, NM_001033560.2).
Identifiers: ClinVar variation 643227 (VCV000643227.1), dbSNP rs201530487, ClinGen allele CA7575148.

ClinVar aggregate classification (germline): Uncertain significance (1 of 4 stars; one submission).

Conditions:
Primary ciliary dyskinesia. Also called: Ciliary dyskinesia. Identifiers: Orphanet 244, MedGen C0008780, MONDO:0016575, HP:0012265.

Allele frequency attached by ClinVar (database versions not stated): TOPMed 0.00002; gnomAD 0.00003; gnomAD exomes 0.00014; ExAC 0.00022.
gnomAD v4.1: 105 of 1,613,884 alleles (0.0065%); highest among the groups gnomAD compares: Non-Finnish European, 0.0063%; no homozygotes.

Submission:

Labcorp Genetics (formerly Invitae), Labcorp
Classification: Uncertain significance for Primary ciliary dyskinesia. Last evaluated: 2018-07-24. Review status: criteria provided, single submitter. Criteria: Invitae Variant Classification Sherloc (09022015). Collection method: clinical testing. Allele origin: germline.
Comment: This sequence change affects codon 41 of the DYX1C1 mRNA. It is a 'silent' change, meaning that it does not change the encoded amino acid sequence of the DYX1C1 protein. This variant is present in population databases (rs201530487, ExAC 0.04%). This variant has not been reported in the literature in individuals with DYX1C1-related disease. Algorithms developed to predict the effect of sequence changes on RNA splicing suggest that this variant may disrupt the consensus splice site, but this prediction has not been confirmed by published transcriptional studies. In summary, the available evidence is currently insufficient to determine the role of this variant in disease. Therefore, it has been classified as a Variant of Uncertain Significance.